The following is an entry in ClinVar:

NM_015909.4(NBAS):c.1351A>C (p.Lys451Gln)

Gene: NBAS (NBAS subunit of NRZ tethering complex; minus strand). Cytogenetic location: 2p24.3.
Variant type: single nucleotide variant.
Coding change: c.1351A>C on transcript NM_015909.4 (MANE Select); coding-DNA position 1351, A replaced by C.
Protein change: p.Lys451Gln; replaces lysine 451 with glutamine.
Molecular consequence: missense variant. On other transcripts: non-coding transcript variant (1).
Genome position (GRCh38, 1-based): chr2:15,474,315, T>G on the plus strand (A>C on the coding strand, the complement: NBAS is on the minus strand). VCF-style: chr2-15474315-T-G. GRCh37 (hg19) VCF-style: chr2-15614439-T-G.
Other names: short protein forms K451Q.
Identifiers: ClinVar variation 2101615 (VCV002101615.4), dbSNP rs2528139936, ClinGen allele CA345889796.

ClinVar aggregate classification (germline): Uncertain significance (1 of 4 stars; one submission).

Submission:

Labcorp Genetics (formerly Invitae), Labcorp
Classification: Uncertain significance. Last evaluated: 2022-03-02. Review status: criteria provided, single submitter. Criteria: Invitae Variant Classification Sherloc (09022015). Collection method: clinical testing. Allele origin: germline.
Comment: In summary, the available evidence is currently insufficient to determine the role of this variant in disease. Therefore, it has been classified as a Variant of Uncertain Significance. Algorithms developed to predict the effect of missense changes on protein structure and function are either unavailable or do not agree on the potential impact of this missense change (SIFT: "Deleterious"; PolyPhen-2: "Benign"; Align-GVGD: "Class C45"). This variant has not been reported in the literature in individuals affected with NBAS-related conditions. This variant is not present in population databases (gnomAD no frequency). This sequence change replaces lysine, which is basic and polar, with glutamine, which is neutral and polar, at codon 451 of the NBAS protein (p.Lys451Gln).